The following is an entry in ClinVar:

ClinVar aggregate classification (germline): Pathogenic (1 of 4 stars; one submission).

Conditions:
Neurofibromatosis, type 2 (SWNV). Also called: BILATERAL ACOUSTIC NEUROFIBROMATOSIS; SCHWANNOMATOSIS, VESTIBULAR; NF2-Related Schwannomatosis. Identifiers: Orphanet 637, MedGen C0027832, MONDO:0007039, OMIM 101000. Disease mechanism: loss of function.

Submission:

Labcorp Genetics (formerly Invitae), Labcorp
Classification: Pathogenic for Neurofibromatosis, type 2. Last evaluated: 2017-07-19. Review status: criteria provided, single submitter. Criteria: Invitae Variant Classification Sherloc (09022015). Collection method: clinical testing. Allele origin: germline.
Comment: For these reasons, this variant has been classified as Pathogenic. Loss-of-function variants in NF2 are known to be pathogenic (PMID: 9643284, 16983642). This variant has not been reported in the literature in individuals with NF2-related disease. This variant is not present in population databases (ExAC no frequency). This sequence change creates a premature translational stop signal (p.Asn220Glufs*8) in the NF2 gene. It is expected to result in an absent or disrupted protein product.

Literature cited by the submitters: PubMed 9643284; PubMed 16983642.

NM_000268.4(NF2):c.656_657insA (p.Asn220fs)

Gene: NF2 (NF2, moesin-ezrin-radixin like (MERLIN) tumor suppressor; plus strand). Cytogenetic location: 22q12.2.
Variant type: Insertion.
Coding change: c.656_657insA on transcript NM_000268.4 (MANE Select); coding-DNA positions 656 to 657, A inserted.
Protein change: p.Asn220fs; shifts the reading frame from asparagine 220.
Molecular consequence: frameshift variant. On other transcripts: non-coding transcript variant (1), intron variant (1).
Genome position: GRCh38 VCF-style: chr22-29658245-T-TA. GRCh37 (hg19) VCF-style: chr22-30054234-T-TA.
Other names: c.656_657insA, p.Asn220fs (NM_016418.5, NM_181825.3, NM_181832.3); c.530_531insA, p.Asn178fs (NM_181828.3); c.533_534insA, p.Asn179fs (NM_181829.3); c.407_408insA, p.Asn137fs (NM_181830.3, NM_181831.3); c.447+15960_447+15961insA (NM_181833.3); short protein forms N137fs, N179fs, N178fs, N220fs.
Identifiers: ClinVar variation 457925 (VCV000457925.7), dbSNP rs1555994819, ClinGen allele CA658656829.